The following is an entry in ClinVar:

NM_000199.5(SGSH):c.745+1G>C

Gene: SGSH (N-sulfoglucosamine sulfohydrolase; minus strand). Cytogenetic location: 17q25.3.
Variant type: single nucleotide variant.
Coding change: c.745+1G>C on transcript NM_000199.5 (MANE Select); the canonical splice donor site of the intron after coding-DNA position 745, G replaced by C.
Molecular consequence: splice donor variant.
Genome position (GRCh38, 1-based): chr17:80,213,803, C>G on the plus strand (G>C on the coding strand, the complement: SGSH is on the minus strand). VCF-style: chr17-80213803-C-G. GRCh37 (hg19) VCF-style: chr17-78187602-C-G.
Other names: c.745+1G>C (NM_001352922.2, NM_001352921.3).
Identifiers: ClinVar variation 936519 (VCV000936519.11), dbSNP rs748525651, ClinGen allele CA401361062.

ClinVar aggregate classification (germline): Pathogenic/Likely pathogenic. Review status: criteria provided, multiple submitters, no conflicts (2 of 4 stars). 4 submissions from 4 submitters: Pathogenic (2); Likely pathogenic (2). Last evaluated 2026-04-21.

Conditions:
Mucopolysaccharidosis, MPS-III-A (MPS3A). Also called: HEPARAN SULFATE SULFATASE DEFICIENCY; SANFILIPPO SYNDROME A; SULFAMIDASE DEFICIENCY; MPS III A; MUCOPOLYSACCHARIDOSIS, TYPE IIIA, ATTENUATED; Mucopolysaccharidosis type IIIA (Sanfilippo A). Identifiers: Orphanet 581, Orphanet 79269, MedGen C0086647, MONDO:0009655, OMIM 252900.

gnomAD v4.1: 1 of 1,599,900 alleles (0.000063%); no homozygotes.

Submissions (4):

GeneDx
Classification: Likely pathogenic. Last evaluated: 2026-04-21. Review status: criteria provided, single submitter. Criteria: GeneDx Variant Classification Process June 2021. Collection method: clinical testing. Allele origin: germline.
Comment: Observed in a patient with a skeletal disorder, however, additional information was not provided on this individual (PMID: 38702915); Canonical splice site variant predicted to result in a null allele in a gene for which loss of function is a known mechanism of disease; Not observed at significant frequency in large population cohorts (gnomAD); This variant is associated with the following publications: (PMID: 38702915)

Labcorp Genetics (formerly Invitae), Labcorp
Classification: Pathogenic for Mucopolysaccharidosis, MPS-III-A. Last evaluated: 2025-04-11. Review status: criteria provided, single submitter. Criteria: Invitae Variant Classification Sherloc (09022015). Collection method: clinical testing. Allele origin: germline.
Comment: This sequence change affects a donor splice site in intron 6 of the SGSH gene. It is expected to disrupt RNA splicing. Variants that disrupt the donor or acceptor splice site typically lead to a loss of protein function (PMID: 16199547), and loss-of-function variants in SGSH are known to be pathogenic (PMID: 11182930, 21204211, 22976768). This variant is not present in population databases (gnomAD no frequency). Disruption of this splice site has been observed in individuals with mucopolysaccharidosis type IIIA (internal data). ClinVar contains an entry for this variant (Variation ID: 936519). Algorithms developed to predict the effect of sequence changes on RNA splicing suggest that this variant may disrupt the consensus splice site. For these reasons, this variant has been classified as Pathogenic.

Illumina Laboratory Services, Illumina
Classification: Pathogenic for Mucopolysaccharidosis, MPS-III-A. Last evaluated: 2023-06-22. Review status: criteria provided, single submitter. Criteria: ICSLVariantClassificationCriteria RUGD 01 April 2020. Collection method: clinical testing. Allele origin: unknown.
Comment: The SGSH c.745+1G>C variant results in a substitution at the consensus splice donor site which may result in splicing defects. To our knowledge, this variant has not been reported in the peer-reviewed literature. This variant is not observed in version 2.1.1 or version 3.1.2 of the Genome Aggregation Database and was identified in a homozygous state. Based on the available evidence, the c.745+1G>C variant is classified as pathogenic for mucopolysaccharidosis type IIIA.

Baylor Genetics
Classification: Likely pathogenic for Mucopolysaccharidosis, MPS-III-A. Last evaluated: 2023-02-28. Review status: criteria provided, single submitter. Criteria: ACMG Guidelines, 2015. Collection method: clinical testing. Allele origin: unknown.

Literature cited by the submitters: PubMed 16199547 (cited by Labcorp Genetics (formerly Invitae), Labcorp); PubMed 11182930 (cited by Labcorp Genetics (formerly Invitae), Labcorp); PubMed 21204211 (cited by Labcorp Genetics (formerly Invitae), Labcorp); PubMed 22976768 (cited by Labcorp Genetics (formerly Invitae), Labcorp).